The following is an entry in ClinVar:

NM_001039591.3(USP9X):c.4366G>C (p.Ala1456Pro)

Gene: USP9X (ubiquitin specific peptidase 9 X-linked; plus strand). Cytogenetic location: Xp11.4.
Variant type: single nucleotide variant.
Coding change: c.4366G>C on transcript NM_001039591.3 (MANE Select); coding-DNA position 4366, G replaced by C.
Protein change: p.Ala1456Pro; replaces alanine 1456 with proline.
Molecular consequence: missense variant.
Genome position (GRCh38, 1-based): chrX:41,197,496, G>C. VCF-style: chrX-41197496-G-C. GRCh37 (hg19) VCF-style: chrX-41056749-G-C.
Other names: c.4381G>C, p.Ala1461Pro (NM_001410749.1, NM_001410748.1); c.4366G>C, p.Ala1456Pro (NM_001039590.3); short protein forms A1456P, A1461P.
Identifiers: ClinVar variation 3616136 (VCV003616136.2).

ClinVar aggregate classification (germline): Uncertain significance (1 of 4 stars; one submission).

gnomAD v4.1: 2 of 1,209,193 alleles (0.00017%); no homozygotes.

Submission:

Labcorp Genetics (formerly Invitae), Labcorp
Classification: Uncertain significance. Last evaluated: 2024-04-10. Review status: criteria provided, single submitter. Criteria: Invitae Variant Classification Sherloc (09022015). Collection method: clinical testing. Allele origin: germline.
Comment: This sequence change replaces alanine, which is neutral and non-polar, with proline, which is neutral and non-polar, at codon 1456 of the USP9X protein (p.Ala1456Pro). This variant is present in population databases (no rsID available, gnomAD 0.01%). This variant has not been reported in the literature in individuals affected with USP9X-related conditions. An algorithm developed to predict the effect of missense changes on protein structure and function (PolyPhen-2) suggests that this variant is likely to be disruptive. In summary, the available evidence is currently insufficient to determine the role of this variant in disease. Therefore, it has been classified as a Variant of Uncertain Significance.